The following is an entry in ClinVar:

ClinVar aggregate classification (germline): Uncertain significance (1 of 4 stars; one submission).

gnomAD v4.1: 2 of 1,610,636 alleles (0.00012%); highest among the groups gnomAD compares: Non-Finnish European, 0.00017%; no homozygotes.

Submission:

Dasa
Classification: Uncertain significance. Last evaluated: 2026-07-20. Review status: criteria provided, single submitter. Criteria: DASA Assertion Criteria. Collection method: clinical testing. Allele origin: germline.
Comment: NM_002609.4(PDGFRB):c.2021G>A (p.Gly674Glu) is a missense variant that results in the substitution of glycine with glutamic acid. This variant is rare in population databases. Computational prediction algorithms are consistent with a deleterious effect. The currently available literature and clinical evidence are not sufficient to establish a definitive association between this variant and the reported condition. Therefore, this variant is classified as a variant of uncertain significance.

NM_002609.4(PDGFRB):c.2021G>A (p.Gly674Glu)

Gene: PDGFRB (platelet derived growth factor receptor beta; minus strand). Cytogenetic location: 5q32.
Variant type: single nucleotide variant.
Coding change: c.2021G>A on transcript NM_002609.4 (MANE Select); coding-DNA position 2021, G replaced by A.
Protein change: p.Gly674Glu; replaces glycine 674 with glutamic acid.
Molecular consequence: missense variant.
Genome position (GRCh38, 1-based): chr5:150,124,252, C>T on the plus strand (G>A on the coding strand, the complement: PDGFRB is on the minus strand). VCF-style: chr5-150124252-C-T. GRCh37 (hg19) VCF-style: chr5-149503815-C-T.
Other names: c.1829G>A, p.Gly610Glu (NM_001355016.2); c.1538G>A, p.Gly513Glu (NM_001355017.2); short protein forms G513E, G610E, G674E.
Identifiers: ClinVar variation 5020169 (VCV005020169.1).